The following is an entry in ClinVar:

ClinVar aggregate classification (germline): Pathogenic (1 of 4 stars; one submission).

Submission:

Labcorp Genetics (formerly Invitae), Labcorp
Classification: Pathogenic. Last evaluated: 2022-01-26. Review status: criteria provided, single submitter. Criteria: Invitae Variant Classification Sherloc (09022015). Collection method: clinical testing. Allele origin: germline.
Comment: For these reasons, this variant has been classified as Pathogenic. This variant has not been reported in the literature in individuals affected with CNNM4-related conditions. This variant is not present in population databases (gnomAD no frequency). This sequence change creates a premature translational stop signal (p.Ala52Glyfs*182) in the CNNM4 gene. It is expected to result in an absent or disrupted protein product. Loss-of-function variants in CNNM4 are known to be pathogenic (PMID: 19200525).

Literature cited by the submitters: PubMed 19200525.

NM_020184.4(CNNM4):c.154dup (p.Ala52fs)

Gene: CNNM4 (cyclin and CBS domain divalent metal cation transport mediator 4; plus strand). Cytogenetic location: 2q11.2.
Variant type: Duplication.
Coding change: c.154dup on transcript NM_020184.4 (MANE Select); coding-DNA position 154, one base duplicated (G; older notation c.154dupG).
Protein change: p.Ala52fs; shifts the reading frame from alanine 52.
Molecular consequence: frameshift variant.
Genome position (GRCh38, 1-based): chr2:96,761,153, G duplicated; the last of 2 consecutive G bases (chr2:96,761,152-96,761,153); duplicating either gives the same sequence. VCF-style (leftmost placement, unchanged base first): chr2-96761151-T-TG. GRCh37 (hg19) VCF-style: chr2-97426888-T-TG.
Other names: short protein forms A52fs.
Identifiers: ClinVar variation 1443458 (VCV001443458.6), dbSNP rs2153341328, ClinGen allele CA2573136043.